The following is an entry in ClinVar:

NC_000009.12:g.108929922del

Gene: ELP1 (elongator acetyltransferase complex subunit 1; minus strand). Cytogenetic location: 9q31.3.
Variant type: Deletion.
Genome position: GRCh38 VCF-style: chr9-108929920-AC-A. GRCh37 (hg19) VCF-style: chr9-111692200-AC-A.
Identifiers: ClinVar variation 2024774 (VCV002024774.5), dbSNP rs2537964241, ClinGen allele CA2580079359.
Genomic context (GRCh38, chr9:108,929,920, plus strand): 5'-ATGCGGCCACTTCCATCCTCTGGGAGAAAGCCTTCTGCCACCAAAGAAACTTCATTTTTC[AC>A]CTTTCACCAAAGTAAACACAAGCAAATTAACCCAGTCTACTTTCAAGAATAATTGATAAC-3'

ClinVar aggregate classification (germline): Pathogenic (1 of 4 stars; one submission).

Submission:

Labcorp Genetics (formerly Invitae), Labcorp
Classification: Pathogenic. Last evaluated: 2021-12-02. Review status: criteria provided, single submitter. Criteria: Invitae Variant Classification Sherloc (09022015). Collection method: clinical testing. Allele origin: germline.
Comment: For these reasons, this variant has been classified as Pathogenic. This sequence change creates a premature translational stop signal (p.Val51*) in the ELP1 gene. It is expected to result in an absent or disrupted protein product. Loss-of-function variants in ELP1 are known to be pathogenic (PMID: 18303054, 24173031). This variant is not present in population databases (gnomAD no frequency). This variant has not been reported in the literature in individuals affected with ELP1-related conditions. Algorithms developed to predict the effect of sequence changes on RNA splicing suggest that this variant may disrupt the consensus splice site.

Literature cited by the submitters: PubMed 18303054; PubMed 24173031.